The following is an entry in ClinVar:

ClinVar aggregate classification (germline): Uncertain significance (1 of 4 stars; one submission).

Allele frequency attached by ClinVar (database versions not stated): gnomAD exomes below 0.00001.
gnomAD v4.1: 1 of 1,613,026 alleles (0.000062%); highest among the groups gnomAD compares: Non-Finnish European, 0.000085%; no homozygotes.

Submission:

GeneDx
Classification: Uncertain significance. Last evaluated: 2019-11-05. Review status: criteria provided, single submitter. Criteria: GeneDx Variant Classification Process June 2021. Collection method: clinical testing. Allele origin: germline. Affected: yes.
Comment: Has not been previously published as pathogenic or benign to our knowledge; Not observed in large population cohorts (Lek et al., 2016); Occurs in an alternate transcript where no other splice variants have been reported in the Human Gene Mutation Database in association with LDB3-related disorders (Stenson et al., 2014); Canonical splice site variant in a gene for which loss-of-function is not a known mechanism of disease

NM_007078.3(LDB3):c.2094+1G>A

Gene: LDB3 (LIM domain binding 3; plus strand). Cytogenetic location: 10q23.2.
Variant type: single nucleotide variant.
Coding change: c.2094+1G>A on transcript NM_007078.3 (MANE Select); the canonical splice donor site of the intron after coding-DNA position 2094, G replaced by A.
Molecular consequence: splice donor variant.
Genome position (GRCh38, 1-based): chr10:86,726,253, G>A. VCF-style: chr10-86726253-G-A. GRCh37 (hg19) VCF-style: chr10-88486010-G-A.
Other names: c.1905+1G>A (NM_001368064.1, NM_001368065.1); c.2109+1G>A (NM_001171610.2); c.1953+1G>A (NM_001368066.1); c.1764+1G>A (NM_001080114.2).
Identifiers: ClinVar variation 1310105 (VCV001310105.2), dbSNP rs2132503675, ClinGen allele CA377458177.